The following is an entry in ClinVar:

NM_032638.5(GATA2):c.446G>A (p.Gly149Glu)

Gene: GATA2 (GATA binding protein 2; minus strand). Cytogenetic location: 3q21.3.
Variant type: single nucleotide variant.
Coding change: c.446G>A on transcript NM_032638.5 (MANE Select); coding-DNA position 446, G replaced by A.
Protein change: p.Gly149Glu; replaces glycine 149 with glutamic acid.
Molecular consequence: missense variant.
Genome position (GRCh38, 1-based): chr3:128,486,152, C>T on the plus strand (G>A on the coding strand, the complement: GATA2 is on the minus strand). VCF-style: chr3-128486152-C-T. GRCh37 (hg19) VCF-style: chr3-128204995-C-T.
Other names: c.446G>A, p.Gly149Glu (NM_001145661.2, NM_001145662.1); short protein forms G149E.
Identifiers: ClinVar variation 2174153 (VCV002174153.5), dbSNP rs1184430909, ClinGen allele CA354406737.

ClinVar aggregate classification (germline): Uncertain significance. Review status: criteria provided, multiple submitters, no conflicts (2 of 4 stars). 2 submissions from 2 submitters: Uncertain significance (2). Last evaluated 2026-05-26.

Conditions:
Deafness-lymphedema-leukemia syndrome. Also called: Emberger syndrome; Lymphedema, primary, with myelodysplasia. Identifiers: Orphanet 3226, MedGen C3279664, MONDO:0013540, OMIM 614038.
Monocytopenia with susceptibility to infections. Also called: MONOCYTOPENIA AND MYCOBACTERIAL INFECTION SYNDROME; MONOCYTOPENIA WITH SUSCEPTIBILITY TO MYCOBACTERIAL, FUNGAL, AND PAPILLOMAVIRUS INFECTIONS AND MYELODYSPLASIA; COMBINED IMMUNODEFICIENCY WITH SUSCEPTIBILITY TO MYCOBACTERIAL, VIRAL, AND FUNGAL INFECTIONS; Dendritic cell, monocyte, B lymphocyte, and natural killer lymphocyte deficiency; GATA2 DEFICIENCY; IMMUNODEFICIENCY 21. Identifiers: Orphanet 228423, MedGen C3280030, MONDO:0013607, OMIM 614172.
Inborn genetic diseases. Identifiers: MedGen C0950123, MeSH D030342.

Allele frequency attached by ClinVar (database versions not stated): TOPMed below 0.00001.

Submissions (2):

Ambry Genetics
Classification: Uncertain significance for Inborn genetic diseases. Last evaluated: 2026-05-26. Review status: criteria provided, single submitter. Criteria: Ambry Variant Classification Scheme 2023. Collection method: clinical testing. Allele origin: germline.
Comment: The p.G149E variant (also known as c.446G>A), located in coding exon 2 of the GATA2 gene, results from a G to A substitution at nucleotide position 446. The glycine at codon 149 is replaced by glutamic acid, an amino acid with similar properties. This amino acid position is conserved. In addition, the in silico prediction for this alteration is inconclusive. Based on the available evidence, the clinical significance of this variant remains unclear.

Labcorp Genetics (formerly Invitae), Labcorp
Classification: Uncertain significance for Monocytopenia with susceptibility to infections; Deafness-lymphedema-leukemia syndrome. Last evaluated: 2022-06-10. Review status: criteria provided, single submitter. Criteria: Invitae Variant Classification Sherloc (09022015). Collection method: clinical testing. Allele origin: germline.
Comment: In summary, the available evidence is currently insufficient to determine the role of this variant in disease. Therefore, it has been classified as a Variant of Uncertain Significance. Advanced modeling of protein sequence and biophysical properties (such as structural, functional, and spatial information, amino acid conservation, physicochemical variation, residue mobility, and thermodynamic stability) performed at Invitae indicates that this missense variant is not expected to disrupt GATA2 protein function. This variant has not been reported in the literature in individuals affected with GATA2-related conditions. This variant is present in population databases (no rsID available, gnomAD 0.007%). This sequence change replaces glycine, which is neutral and non-polar, with glutamic acid, which is acidic and polar, at codon 149 of the GATA2 protein (p.Gly149Glu).